The following is an entry in ClinVar:

NM_001673.5(ASNS):c.242A>G (p.His81Arg)

Genes: ASNS (asparagine synthetase (glutamine-hydrolyzing); minus strand), CZ1P-ASNS (CZ1P-ASNS readthrough; minus strand). Cytogenetic location: 7q21.3.
Variant type: single nucleotide variant.
Coding change: c.242A>G on transcript NM_001673.5 (MANE Select); coding-DNA position 242, A replaced by G.
Protein change: p.His81Arg; replaces histidine 81 with arginine.
Molecular consequence: missense variant. On other transcripts: non-coding transcript variant (1), intron variant (2).
Genome position (GRCh38, 1-based): chr7:97,868,915, T>C on the plus strand (A>G on the coding strand, the complement: ASNS is on the minus strand). VCF-style: chr7-97868915-T-C. GRCh37 (hg19) VCF-style: chr7-97498227-T-C.
Other names: c.179A>G, p.His60Arg (NM_001178075.2); c.242A>G, p.His81Arg (NM_001352496.2, NM_133436.3, NM_183356.4); c.-1+3436A>G (NM_001178076.2); c.-1+3126A>G (NM_001178077.1); short protein forms H60R, H81R.
Identifiers: ClinVar variation 1977049 (VCV001977049.5), dbSNP rs1432524937, ClinGen allele CA368273792.
Genomic context (GRCh38, chr7:97,868,915, plus strand): 5'-CAACAAACTCTGAAGTTTAATCGCATCCAGACATCTGGTTTCTTTCTCCTCACCTTCTTA[T>C]GGTTGTAGATTTCACCATTGTAACAGAGCCACAAATACGGATATTTCTTCACTCGAATTG-3'
Protein context (NP_001664.3, residues 71-91): WLCYNGEIYN[His81Arg]KKMQQHFEFE

ClinVar aggregate classification (germline): Uncertain significance (1 of 4 stars; one submission).

Allele frequency attached by ClinVar (database versions not stated): gnomAD exomes below 0.00001.
gnomAD v4.1: 1 of 1,613,934 alleles (0.000062%); highest among the groups gnomAD compares: South Asian, 0.0011%; no homozygotes.

Submission:

Labcorp Genetics (formerly Invitae), Labcorp
Classification: Uncertain significance. Last evaluated: 2022-07-09. Review status: criteria provided, single submitter. Criteria: Invitae Variant Classification Sherloc (09022015). Collection method: clinical testing. Allele origin: germline.
Comment: Algorithms developed to predict the effect of sequence changes on RNA splicing suggest that this variant may create or strengthen a splice site. This sequence change replaces histidine, which is basic and polar, with arginine, which is basic and polar, at codon 81 of the ASNS protein (p.His81Arg). The frequency data for this variant in the population databases is considered unreliable, as metrics indicate poor data quality at this position in the gnomAD database. This variant has not been reported in the literature in individuals affected with ASNS-related conditions. Advanced modeling of protein sequence and biophysical properties (such as structural, functional, and spatial information, amino acid conservation, physicochemical variation, residue mobility, and thermodynamic stability) performed at Invitae indicates that this missense variant is expected to disrupt ASNS protein function. In summary, the available evidence is currently insufficient to determine the role of this variant in disease. Therefore, it has been classified as a Variant of Uncertain Significance.